The following is an entry in ClinVar:

NM_000038.6(APC):c.1143C>T (p.Ala381=)

Gene: APC (APC regulator of Wnt signaling pathway; plus strand). Cytogenetic location: 5q22.2.
Variant type: single nucleotide variant.
Coding change: c.1143C>T on transcript NM_000038.6 (MANE Select); coding-DNA position 1143, C replaced by T.
Protein change: p.Ala381=; no amino-acid change (alanine 381 retained).
Molecular consequence: synonymous variant. On other transcripts: intron variant (4).
Genome position (GRCh38, 1-based): chr5:112,819,175, C>T. VCF-style: chr5-112819175-C-T. GRCh37 (hg19) VCF-style: chr5-112154872-C-T.
Other names: c.1143C>T, p.Ala381= (NM_001127510.3, NM_001354895.2, NM_001354896.2); c.1089C>T, p.Ala363= (NM_001127511.3); c.1173C>T, p.Ala391= (NM_001354897.2); c.1068C>T, p.Ala356= (NM_001354898.2); c.1059C>T, p.Ala353= (NM_001354899.2); c.966C>T, p.Ala322= (NM_001354900.2, NM_001354901.2); c.294C>T, p.Ala98= (NM_001354906.2); c.964-94C>T (NM_001354902.2); and 3 more.
Identifiers: ClinVar variation 1565468 (VCV001565468.6), dbSNP rs2149781680, ClinGen allele CA445960305.

ClinVar aggregate classification (germline): Benign/Likely benign. Review status: criteria provided, multiple submitters, no conflicts (2 of 4 stars). 4 submissions from 4 submitters: Benign (1); Likely benign (3). Last evaluated 2024-02-29.

Conditions:
Classic or attenuated familial adenomatous polyposis. Identifiers: MedGen CN372698, MONDO:0021057.
Hereditary cancer-predisposing syndrome. Also called: Tumor predisposition; Hereditary Cancer Syndrome; Hereditary neoplastic syndrome; Neoplastic Syndromes, Hereditary. Identifiers: Orphanet 140162, MedGen C0027672, MeSH D009386, MONDO:0015356.
Familial adenomatous polyposis 1 (FAP1). Also called: POLYPOSIS, ADENOMATOUS INTESTINAL; FAMILIAL ADENOMATOUS POLYPOSIS 1, ATTENUATED. Identifiers: MedGen C2713442, MONDO:0021056, OMIM 175100. Disease mechanism: loss of function.

Submissions (4):

Myriad Genetics, Inc.
Classification: Benign for Familial adenomatous polyposis 1. Last evaluated: 2024-02-29. Review status: criteria provided, single submitter. Criteria: Myriad Autosomal Dominant, Autosomal Recessive and X-Linked Classification Criteria (2023). Collection method: clinical testing. Allele origin: unknown.
Comment: This variant is considered benign. This variant is a silent/synonymous amino acid change and it is not expected to impact splicing.

All of Us Research Program, National Institutes of Health
Classification: Likely benign for Classic or attenuated familial adenomatous polyposis. Last evaluated: 2023-01-10. Review status: criteria provided, single submitter. Criteria: ACMG Guidelines, 2015. Collection method: clinical testing. Allele origin: germline. Inheritance: Autosomal dominant inheritance. Observed: 1 variant allele, 1 heterozygote.
Comment: This study involves interpretation of variants in research participants for the purpose of population health screening. Participant phenotype was not available at the time of variant classification. Additional details can be found in publication PMID: 35346344, PMCID: PMC8962531

Ambry Genetics
Classification: Likely benign for Hereditary cancer-predisposing syndrome. Last evaluated: 2022-01-24. Review status: criteria provided, single submitter. Criteria: Ambry Variant Classification Scheme 2023. Collection method: clinical testing. Allele origin: germline.

Labcorp Genetics (formerly Invitae), Labcorp
Classification: Likely benign for Familial adenomatous polyposis 1. Last evaluated: 2021-06-12. Review status: criteria provided, single submitter. Criteria: Invitae Variant Classification Sherloc (09022015). Collection method: clinical testing. Allele origin: germline.